The following is an entry in ClinVar:

ClinVar aggregate classification (germline): Likely benign (1 of 4 stars; one submission).

Conditions:
Coffin-Siris syndrome 1 (CSS1). Also called: ARID1B-Related Coffin-Siris Syndrome; Mental retardation, autosomal dominant 12. Identifiers: Orphanet 1465, MedGen C3281201, MONDO:0007617, OMIM 135900. Disease mechanism: gain of function.

Submission:

Centre for Medical Genetics,  Mumbai
Classification: Likely benign for Coffin-Siris syndrome 1. Last evaluated: 2026-03-05. Review status: criteria provided, single submitter. Criteria: ACMG Guidelines, 2015. Collection method: provider interpretation. Allele origin: germline. Inheritance: Autosomal dominant inheritance. Affected: no. Observed: 1 variant allele, 1 heterozygote.
Comment: The variant satisfies PM2 criteria; Extremely low frequency in gnomAD population databases. The variant satisfies BP4 criteria; For a missense or a splice region variant, computational prediction tools unanimously support a benign effect on the gene. However, the variant satisfies BS2 criteria.

Literature cited by the submitters: PubMed 22405089.

NM_001374828.1(ARID1B):c.727G>A (p.Gly243Arg)

Genes: ARID1B (AT-rich interaction domain 1B; plus strand), LOC115308161 (uncharacterized LOC115308161; minus strand), LOC129997525 (ATAC-STARR-seq lymphoblastoid silent region 17712; plus strand). Cytogenetic location: 6q25.3.
Variant type: single nucleotide variant.
Coding change: c.727G>A on transcript NM_001374828.1 (MANE Select); coding-DNA position 727, G replaced by A.
Protein change: p.Gly243Arg; replaces glycine 243 with arginine.
Molecular consequence: missense variant. On other transcripts: non-coding transcript variant (1).
Genome position (GRCh38, 1-based): chr6:156,778,407, G>A. VCF-style: chr6-156778407-G-A. GRCh37 (hg19) VCF-style: chr6-157099541-G-A.
Other names: c.727G>A, p.Gly243Arg (NM_001371656.1, NM_001374820.1, NM_001438482.1 and 9 more transcripts); short protein forms G243R.
Identifiers: ClinVar variation 4814174 (VCV004814174.1).